The following is an entry in ClinVar:

ClinVar aggregate classification (germline): Likely pathogenic (1 of 4 stars; one submission).

Conditions:
beta Thalassemia (BTHAL). Also called: Cooley's anemia; Erythroblastic anemia; Mediterranean anemia. Identifiers: Orphanet 848, MedGen C0005283, MONDO:0019402. Disease mechanism: loss of function.

Submission:

Natera, Inc.
Classification: Likely pathogenic for Beta thalassemia. Last evaluated: 2026-01-16. Review status: criteria provided, single submitter. Criteria: Natera Variant Classification Schema (03/2026). Collection method: clinical testing. Allele origin: germline.
Comment: The c.9_83del variant in HBB is an in-frame deletion. This variant is rare in the general population with a frequency below the threshold expected for the associated phenotype(s). This variant results in a change to the protein length while preserving reading frame, which may disrupt normal protein structure or function. A different variant at the same position has been determined to be Pathogenic or Likely Pathogenic. Given the available evidence, this variant is classified as Likely Pathogenic.

NM_000518.5(HBB):c.9_83del (p.Thr5_Leu29del)

Genes: HBB (hemoglobin subunit beta; minus strand), LOC106099062 (HBB recombination region; plus strand), LOC107133510 (origin of replication at HBB; plus strand). Cytogenetic location: 11p15.4.
Variant type: Deletion.
Coding change: c.9_83del on transcript NM_000518.5 (MANE Select); coding-DNA positions 9 to 83, 75 bases deleted.
Protein change: p.Thr5_Leu29del.
Molecular consequence: inframe deletion.
Genome position (GRCh38, 1-based): chr11:5,226,939-5,227,013, 75 bases deleted. GRCh37 (hg19): chr11:5,248,169-5,248,243.
Identifiers: ClinVar variation 4818706 (VCV004818706.1).